The following is an entry in ClinVar:

ClinVar aggregate classification (germline): Pathogenic/Likely pathogenic. Review status: criteria provided, multiple submitters, no conflicts (2 of 4 stars). 2 submissions from 2 submitters: Pathogenic (1); Likely pathogenic (1). Last evaluated 2026-01-06.

Conditions:
TH-deficient dopa-responsive dystonia. Also called: Tyrosine Hydroxylase-Deficient Dopa-Responsive Dystonia; Segawa syndrome, autosomal recessive; DYT-TH. Identifiers: Orphanet 101150, MedGen C2673535, MONDO:0011551, OMIM 605407.

Submissions (2):

3billion
Classification: Pathogenic for TH-deficient dopa-responsive dystonia. Last evaluated: 2026-01-06. Review status: criteria provided, single submitter. Criteria: ACMG Guidelines, 2015. Collection method: clinical testing. Allele origin: germline. Affected: yes.
Comment: The variant is not observed in the gnomAD v4.1.0 dataset. Predicted Consequence/Location: Frameshift: predicted to result in a loss or disruption of normal protein function through nonsense-mediated decay (NMD) or protein truncation. Multiple pathogenic variants are reported downstream of the variant. The variant has been reported at least twice as pathogenic with clinical assertions and evidence for the classification (ClinVar ID: VCV002434146 /3billion dataset). Therefore, this variant is classified as Pathogenic according to the recommendation of ACMG/AMP guideline.

Revvity Omics, Revvity
Classification: Likely pathogenic for TH-deficient dopa-responsive dystonia. Last evaluated: 2022-06-28. Review status: criteria provided, single submitter. Criteria: ACMG Guidelines, 2015. Collection method: clinical testing. Allele origin: germline.

NM_000360.4(TH):c.779del (p.Arg260fs)

Gene: TH (tyrosine hydroxylase; minus strand). Cytogenetic location: 11p15.5.
Variant type: Deletion.
Coding change: c.779del on transcript NM_000360.4 (MANE Select); coding-DNA position 779, one base deleted (G; older notation c.779delG).
Protein change: p.Arg260fs; shifts the reading frame from arginine 260.
Molecular consequence: frameshift variant.
Genome position (GRCh38, 1-based): chr11:2,166,949, C deleted on the plus strand (G on the coding strand, the reverse complement: TH is on the minus strand). VCF-style (leftmost placement, unchanged base first): chr11-2166948-GC-G. GRCh37 (hg19) VCF-style: chr11-2188178-GC-G.
Other names: c.872del, p.Arg291fs (NM_199292.3); c.860del, p.Arg287fs (NM_199293.3); short protein forms R260fs, R287fs, R291fs.
Identifiers: ClinVar variation 2434146 (VCV002434146.5), dbSNP rs2495805751, ClinGen allele CA2580082587.